The following is an entry in ClinVar:

ClinVar aggregate classification (germline): Uncertain significance. Review status: criteria provided, multiple submitters, no conflicts (2 of 4 stars). 5 submissions from 5 submitters: Uncertain significance (5). Last evaluated 2026-08-13.

Conditions:
Cardiovascular phenotype. Identifiers: MedGen CN230736.
Long QT syndrome (LQTS). Identifiers: MedGen C0023976, MeSH D008133, MONDO:0002442. Disease mechanism: loss of function. Inheritance: Various modes of inheritance.
Cardiac arrhythmia, ankyrin-B-related. Also called: ANKYRIN-B SYNDROME. Identifiers: Orphanet 101016, Orphanet 768, MedGen C1970119, MONDO:0010958, OMIM 600919.

Allele frequency attached by ClinVar (database versions not stated): gnomAD exomes 0.00002 and 0.00007; TOPMed 0.00003; ESP Exome Variant Server 0.00008; ExAC 0.00001; gnomAD 0.00004 and 0.00003.
gnomAD v4.1: 110 of 1,613,118 alleles (0.0068%); highest among the groups gnomAD compares: Non-Finnish European, 0.0092%; no homozygotes.

Submissions (5):

Ambry Genetics
Classification: Uncertain significance for Cardiovascular phenotype. Last evaluated: 2026-08-13. Review status: criteria provided, single submitter. Criteria: Ambry Variant Classification Scheme 2023. Collection method: clinical testing. Allele origin: germline.
Comment: The p.K1457E variant (also known as c.4369A>G), located in coding exon 35 of the ANK2 gene, results from an A to G substitution at nucleotide position 4369. The lysine at codon 1457 is replaced by glutamic acid, an amino acid with similar properties. This amino acid position is highly conserved in available vertebrate species. In addition, the in silico prediction for this alteration is inconclusive. According to data from gnomAD, the frequency for this variant is above the maximum credible frequency for a cardiac disease-causing variant in this gene based on internally established thresholds (Karczewski et al. Nature. 2020 May;581(7809):434-443; Whiffin et al. Genet Med. 2017 10;19:1151-1158). Based on the supporting evidence, the association of this alteration with ANK2-related neurodevelopmental disorder is unknown; however, the association with ANK2-related arrhythmia is unlikely.

Labcorp Genetics (formerly Invitae), Labcorp
Classification: Uncertain significance for Long QT syndrome. Last evaluated: 2024-08-15. Review status: criteria provided, single submitter. Criteria: Invitae Variant Classification Sherloc (09022015). Collection method: clinical testing. Allele origin: germline.
Comment: This sequence change replaces lysine, which is basic and polar, with glutamic acid, which is acidic and polar, at codon 1457 of the ANK2 protein (p.Lys1457Glu). This variant is present in population databases (rs369038140, gnomAD 0.004%). This variant has not been reported in the literature in individuals affected with ANK2-related conditions. ClinVar contains an entry for this variant (Variation ID: 190605). An algorithm developed to predict the effect of missense changes on protein structure and function (PolyPhen-2) suggests that this variant is likely to be disruptive. In summary, the available evidence is currently insufficient to determine the role of this variant in disease. Therefore, it has been classified as a Variant of Uncertain Significance.

Fulgent Genetics
Classification: Uncertain significance for Cardiac arrhythmia, ankyrin-B-related. Last evaluated: 2021-10-05. Review status: criteria provided, single submitter. Criteria: ACMG Guidelines, 2015. Collection method: clinical testing. Allele origin: unknown.

Laboratory for Molecular Medicine, Mass General Brigham Personalized Medicine
Classification: Uncertain significance. Last evaluated: 2016-11-14. Review status: criteria provided, single submitter. Criteria: LMM Criteria. Collection method: clinical testing. Allele origin: germline. Observed: 3 variant alleles.
Comment: It has also been identified in 5/111962 European c hromosomes by the Genome Aggregation Database (gnomAD; dbSNP rs369038140). Computational and conservation analysis suggest tha t this amino acid substitution may impact the protein. Furthermore, this variant is located in the third to last base of the exon, which is part of the 5? splic e region. Computational splice prediction tools suggest a possible impact to spl icing, and the adenine (A) base at this position (c.4369A) is well conserved acr oss species. However, these types of data are not predictive enough to determine pathogenicity. In summary the clinical significance of the p.Lys1457Glu variant is uncertain.

GeneDx
Classification: Uncertain significance. Last evaluated: 2012-01-20. Review status: criteria provided, single submitter. Criteria: GeneDx Variant Classification (06012015). Collection method: clinical testing. Allele origin: germline. Affected: yes.
Comment: The Lys1457Glu variant in the ANK2 gene has also not been reported previously as a disease-causing mutation or as a benign polymorphism, to our knowledge. Although Lys1457Glu is a missense change, this subsitution occurs near the splice donor site of exon 35 in the ANK2 gene. Three different splice prediction algorithms predict Lys1457Glu either destroys or significantly reduces the efficiency of the splice donor site, which is expected to lead to aberrant gene splicing and production of an abnormal, truncated protein or absence of protein from this copy of the gene. The NHLBI ESP Exome Variant Server reports Lys1457Glu was observed in 1/7,019 alleles from individuals of European background. However, no splice site or other protein truncating mutations have been reported in the ANK2 gene to our knowledge. In summary, with the clinical and molecular information available at this time, we cannot definitively determine whether the Lys1457Glu variant in the ANK2 gene are disease-causing mutations or rare benign variants. The variant is found in POSTMORTEM panel(s).

NM_001148.6(ANK2):c.4369A>G (p.Lys1457Glu)

Gene: ANK2 (ankyrin 2; plus strand). Cytogenetic location: 4q26.
Variant type: single nucleotide variant.
Coding change: c.4369A>G on transcript NM_001148.6 (MANE Select); coding-DNA position 4369, A replaced by G.
Protein change: p.Lys1457Glu; replaces lysine 1457 with glutamic acid.
Molecular consequence: missense variant.
Genome position (GRCh38, 1-based): chr4:113,346,020, A>G. VCF-style: chr4-113346020-A-G. GRCh37 (hg19) VCF-style: chr4-114267176-A-G.
Other names: p.K1457E:AAG>GAG; c.4342A>G, p.Lys1448Glu (NM_001127493.3); c.4381A>G, p.Lys1461Glu (NM_001354225.2); c.4270A>G, p.Lys1424Glu (NM_001354228.2, NM_001354258.2); c.4348A>G, p.Lys1450Glu (NM_001354230.2); c.4411A>G, p.Lys1471Glu (NM_001354231.2, NM_001354242.2); c.4405A>G, p.Lys1469Glu (NM_001354232.2); c.4366A>G, p.Lys1456Glu (NM_001354235.2, NM_001354246.2, NM_001354265.2); and 32 more; short protein forms K1448E, K1457E, K1357E, K1386E, K1402E, K1424E, K1436E, K1440E.
Identifiers: ClinVar variation 190605 (VCV000190605.15), dbSNP rs369038140, ClinGen allele CA301071.